The following is an entry in ClinVar:

ClinVar aggregate classification (germline): Likely pathogenic (1 of 4 stars; one submission).

Conditions:
Bethlem myopathy 1A. Also called: Bethlem Muscular Dystrophy; MYOPATHY, BENIGN CONGENITAL, WITH CONTRACTURES; Bethlem myopathy 1. Identifiers: Orphanet 610, MedGen CN029274, MONDO:0024530, OMIM 158810.

Submission:

Labcorp Genetics (formerly Invitae), Labcorp
Classification: Likely pathogenic for Bethlem myopathy 1A. Last evaluated: 2023-05-08. Review status: criteria provided, single submitter. Criteria: Invitae Variant Classification Sherloc (09022015). Collection method: clinical testing. Allele origin: germline.
Comment: This variant disrupts the triple helix domain of COL6A1. Glycine residues within the Gly-Xaa-Yaa repeats of the triple helix domain are required for the structure and stability of fibrillar collagens (PMID: 7695699, 8218237, 19344236). In COL6A1, variants at these glycine residues are significantly enriched in individuals with autosomal dominant disease (PMID: 15689448, 24038877) compared to the general population (ExAC). In summary, the currently available evidence indicates that the variant is pathogenic, but additional data are needed to prove that conclusively. Therefore, this variant has been classified as Likely Pathogenic. Advanced modeling of protein sequence and biophysical properties (such as structural, functional, and spatial information, amino acid conservation, physicochemical variation, residue mobility, and thermodynamic stability) performed at Invitae indicates that this missense variant is expected to disrupt COL6A1 protein function. ClinVar contains an entry for this variant (Variation ID: 939453). This missense change has been observed in individual(s) with autosomal dominant COL6A1-related conditions (Invitae). It has also been observed to segregate with disease in related individuals. This variant is not present in population databases (gnomAD no frequency). This sequence change replaces glycine, which is neutral and non-polar, with glutamic acid, which is acidic and polar, at codon 371 of the COL6A1 protein (p.Gly371Glu).

Literature cited by the submitters: PubMed 7695699; PubMed 8218237; PubMed 19344236; PubMed 15689448; PubMed 24038877.

NM_001848.3(COL6A1):c.1112G>A (p.Gly371Glu)

Gene: COL6A1 (collagen type VI alpha 1 chain; plus strand). Cytogenetic location: 21q22.3.
Variant type: single nucleotide variant.
Coding change: c.1112G>A on transcript NM_001848.3 (MANE Select); coding-DNA position 1112, G replaced by A.
Protein change: p.Gly371Glu; replaces glycine 371 with glutamic acid.
Molecular consequence: missense variant.
Genome position (GRCh38, 1-based): chr21:45,991,034, G>A. VCF-style: chr21-45991034-G-A. GRCh37 (hg19) VCF-style: chr21-47410948-G-A.
Other names: short protein forms G371E.
Identifiers: ClinVar variation 939453 (VCV000939453.10), dbSNP rs2077774072, ClinGen allele CA410523700.